The following is an entry in ClinVar:

NM_032383.5(HPS3):c.1751T>C (p.Met584Thr)

Gene: HPS3 (HPS3 biogenesis of lysosomal organelles complex 2 subunit 1; plus strand). Cytogenetic location: 3q24.
Variant type: single nucleotide variant.
Coding change: c.1751T>C on transcript NM_032383.5 (MANE Select); coding-DNA position 1751, T replaced by C.
Protein change: p.Met584Thr; replaces methionine 584 with threonine.
Molecular consequence: missense variant.
Genome position (GRCh38, 1-based): chr3:149,158,725, T>C. VCF-style: chr3-149158725-T-C. GRCh37 (hg19) VCF-style: chr3-148876512-T-C.
Other names: c.1256T>C, p.Met419Thr (NM_001308258.2); c.1751T>C (NM_032383.3); short protein forms M419T, M584T.
Identifiers: ClinVar variation 1450172 (VCV001450172.6), dbSNP rs982777508, ClinGen allele CA85508442.
Genomic context (GRCh38, chr3:149,158,725, plus strand): 5'-GGCTTGACTCCCAGCATTCTCATCTCACCTTGCCATACTATAAGATGTCTGGTTTGTCTA[T>C]GGCTGAAGTTCTGGCCCGCACGGACTGGACAGTAGAGGATGGATTACAGAAATACGAGAG-3'
Protein context (NP_115759.2, residues 574-594): LPYYKMSGLS[Met584Thr]AEVLARTDWT

ClinVar aggregate classification (germline): Uncertain significance. Review status: criteria provided, multiple submitters, no conflicts (2 of 4 stars). 2 submissions from 2 submitters: Uncertain significance (2). Last evaluated 2022-02-03.

Conditions:
Inborn genetic diseases. Identifiers: MedGen C0950123, MeSH D030342.

Allele frequency attached by ClinVar (database versions not stated): gnomAD 0.00002; gnomAD exomes 0.00001; TOPMed 0.00001.
gnomAD v4.1: 12 of 1,613,632 alleles (0.00074%); highest among the groups gnomAD compares: Non-Finnish European, 0.00042%; no homozygotes.

Submissions (2):

Ambry Genetics
Classification: Uncertain significance for Inborn genetic diseases. Last evaluated: 2022-02-03. Review status: criteria provided, single submitter. Criteria: Ambry Variant Classification Scheme 2023. Collection method: clinical testing. Allele origin: germline.

Labcorp Genetics (formerly Invitae), Labcorp
Classification: Uncertain significance. Last evaluated: 2021-10-14. Review status: criteria provided, single submitter. Criteria: Invitae Variant Classification Sherloc (09022015). Collection method: clinical testing. Allele origin: germline.
Comment: This sequence change replaces methionine with threonine at codon 584 of the HPS3 protein (p.Met584Thr). The methionine residue is weakly conserved and there is a moderate physicochemical difference between methionine and threonine. This variant is not present in population databases (ExAC no frequency). This variant has not been reported in the literature in individuals affected with HPS3-related conditions. Algorithms developed to predict the effect of missense changes on protein structure and function are either unavailable or do not agree on the potential impact of this missense change (SIFT: "Deleterious"; PolyPhen-2: "Benign"; Align-GVGD: "Class C0"). In summary, the available evidence is currently insufficient to determine the role of this variant in disease. Therefore, it has been classified as a Variant of Uncertain Significance.